The following is an entry in ClinVar:

ClinVar aggregate classification (germline): Uncertain significance (1 of 4 stars; one submission).

Conditions:
Inborn genetic diseases. Identifiers: MedGen C0950123, MeSH D030342.

gnomAD v4.1: 1 of 1,612,898 alleles (0.000062%); highest among the groups gnomAD compares: Non-Finnish European, 0.000085%; no homozygotes.

Submission:

Ambry Genetics
Classification: Uncertain significance for Inborn genetic diseases. Last evaluated: 2026-04-23. Review status: criteria provided, single submitter. Criteria: Ambry Variant Classification Scheme 2023. Collection method: clinical testing. Allele origin: germline.
Comment: The p.F854L variant (also known as c.2560T>C), located in coding exon 9 of the MECOM gene, results from a T to C substitution at nucleotide position 2560. The phenylalanine at codon 854 is replaced by leucine, an amino acid with highly similar properties. This amino acid position is conserved. In addition, this alteration is predicted to be tolerated by in silico analysis. Based on the available evidence, the clinical significance of this variant remains unclear.

NM_004991.4(MECOM):c.2560T>C (p.Phe854Leu)

Gene: MECOM (MDS1 and EVI1 complex locus; minus strand). Cytogenetic location: 3q26.2.
Variant type: single nucleotide variant.
Coding change: c.2560T>C on transcript NM_004991.4 (MANE Select); coding-DNA position 2560, T replaced by C.
Protein change: p.Phe854Leu; replaces phenylalanine 854 with leucine.
Molecular consequence: missense variant.
Genome position (GRCh38, 1-based): chr3:169,112,804, A>G on the plus strand (T>C on the coding strand, the complement: MECOM is on the minus strand). VCF-style: chr3-169112804-A-G. GRCh37 (hg19) VCF-style: chr3-168830592-A-G.
Other names: c.1588T>C, p.Phe530Leu (NM_001366473.2); c.1024T>C, p.Phe342Leu (NM_001366474.2); c.1996T>C, p.Phe666Leu (NM_005241.4, NM_001105078.4, NM_001164000.2 and 4 more transcripts); c.2191T>C, p.Phe731Leu (NM_001105077.4); c.1999T>C, p.Phe667Leu (NM_001163999.2, NM_001366467.2, NM_001366468.2 and 1 more transcripts); c.2560T>C, p.Phe854Leu (NM_001366466.2); short protein forms F342L, F530L, F666L, F667L, F731L, F854L.
Identifiers: ClinVar variation 4859753 (VCV004859753.1).